The following is an entry in ClinVar:

ClinVar aggregate classification (germline): Likely pathogenic. Review status: criteria provided, multiple submitters, no conflicts (2 of 4 stars). 3 submissions from 3 submitters: Likely pathogenic (3). Last evaluated 2025-02-03.

Conditions:
Familial cancer of breast. Also called: Hereditary breast cancer; hereditary breast carcinoma; BREAST CANCER, FAMILIAL. Identifiers: Orphanet 227535, MedGen C0346153, MONDO:0016419, OMIM 114480. Disease mechanism: loss of function.
Ataxia-telangiectasia syndrome (AT). Also called: Ataxia telangiectasia (A-T); ATAXIA-TELANGIECTASIA, COMPLEMENTATION GROUP A; ATAXIA-TELANGIECTASIA, FRESNO VARIANT; Ataxia-telangiectasia; Ataxia-telangiectasia, complementation group E; LOUIS-BAR SYNDROME. Identifiers: Orphanet 100, MedGen C0004135, MONDO:0008840, OMIM 208900.

Submissions (3):

Labcorp Genetics (formerly Invitae), Labcorp
Classification: Likely pathogenic for Ataxia-telangiectasia syndrome. Last evaluated: 2025-02-03. Review status: criteria provided, single submitter. Criteria: Invitae Variant Classification Sherloc (09022015). Collection method: clinical testing. Allele origin: germline.
Comment: This sequence change affects an acceptor splice site in intron 57 of the ATM gene. It is expected to disrupt RNA splicing. Variants that disrupt the donor or acceptor splice site typically lead to a loss of protein function (PMID: 16199547), and loss-of-function variants in ATM are known to be pathogenic (PMID: 23807571, 25614872). This variant is not present in population databases (gnomAD no frequency). This variant has not been reported in the literature in individuals affected with ATM-related conditions. ClinVar contains an entry for this variant (Variation ID: 1066890). Algorithms developed to predict the effect of sequence changes on RNA splicing suggest that this variant may disrupt the consensus splice site. In summary, the currently available evidence indicates that the variant is pathogenic, but additional data are needed to prove that conclusively. Therefore, this variant has been classified as Likely Pathogenic.

Myriad Genetics, Inc.
Classification: Likely pathogenic for Familial cancer of breast. Last evaluated: 2024-02-02. Review status: criteria provided, single submitter. Criteria: Myriad Autosomal Dominant, Autosomal Recessive and X-Linked Classification Criteria (2023). Collection method: clinical testing. Allele origin: unknown.
Comment: This variant is considered likely pathogenic. This variant occurs within a consensus splice junction and is predicted to result in abnormal mRNA splicing of either an out-of-frame exon or an in-frame exon necessary for protein stability and/or normal function.

Baylor Genetics
Classification: Likely pathogenic for Familial cancer of breast. Last evaluated: 2023-09-05. Review status: criteria provided, single submitter. Criteria: ACMG Guidelines, 2015. Collection method: clinical testing. Allele origin: unknown.

Literature cited by the submitters: PubMed 16199547 (cited by Labcorp Genetics (formerly Invitae), Labcorp); PubMed 23807571 (cited by Labcorp Genetics (formerly Invitae), Labcorp); PubMed 25614872 (cited by Labcorp Genetics (formerly Invitae), Labcorp).

NM_000051.4(ATM):c.8419-2A>C

Genes: ATM (ATM serine/threonine kinase; plus strand), C11orf65 (chromosome 11 open reading frame 65; minus strand). Cytogenetic location: 11q22.3.
Variant type: single nucleotide variant.
Coding change: c.8419-2A>C on transcript NM_000051.4 (MANE Select); the canonical splice acceptor site of the intron before coding-DNA position 8419, A replaced by C.
Molecular consequence: splice acceptor variant. On other transcripts: intron variant (2).
Genome position (GRCh38, 1-based): chr11:108,345,741, A>C. VCF-style: chr11-108345741-A-C. GRCh37 (hg19) VCF-style: chr11-108216468-A-C.
Other names: c.8419-2A>C (NM_001351834.2); c.641-36670T>G (NM_001330368.2); c.695-10449T>G (NM_001351110.2).
Identifiers: ClinVar variation 1066890 (VCV001066890.9), dbSNP rs1555137917, ClinGen allele CA382517698.